The following is an entry in ClinVar:

ClinVar aggregate classification (germline): Uncertain significance (0 of 4 stars; one submission).

Conditions:
ARHGAP31-related disorder. Also called: ARHGAP31-related condition.

gnomAD v4.1: 1 of 1,611,624 alleles (0.000062%); no homozygotes.

Submission:

PreventionGenetics, part of Exact Sciences
Classification: Uncertain significance for ARHGAP31-related condition. Last evaluated: 2024-04-23. Review status: no assertion criteria provided. Collection method: clinical testing. Allele origin: germline.
Comment: The ARHGAP31 c.1834G>A variant is predicted to result in the amino acid substitution p.Val612Met. To our knowledge, this variant has not been reported in the literature. This variant is reported in 0.010% of alleles in individuals of Ashkenazi Jewish descent in gnomAD. Of note, in multiple species a methionine (Met) is present at the Val612 residue. At this time, the clinical significance of this variant is uncertain due to the absence of conclusive functional and genetic evidence.

NM_020754.4(ARHGAP31):c.1834G>A (p.Val612Met)

Gene: ARHGAP31 (Rho GTPase activating protein 31; plus strand). Cytogenetic location: 3q13.33.
Variant type: single nucleotide variant.
Coding change: c.1834G>A on transcript NM_020754.4 (MANE Select); coding-DNA position 1834, G replaced by A.
Protein change: p.Val612Met; replaces valine 612 with methionine.
Molecular consequence: missense variant.
Genome position (GRCh38, 1-based): chr3:119,409,684, G>A. VCF-style: chr3-119409684-G-A. GRCh37 (hg19) VCF-style: chr3-119128531-G-A.
Other names: short protein forms V612M.
Identifiers: ClinVar variation 3349990 (VCV003349990.1).